The following is an entry in ClinVar:

NM_002448.3(MSX1):c.691_692del (p.Gln231fs)

Gene: MSX1 (msh homeobox 1; plus strand). Cytogenetic location: 4p16.2.
Variant type: Deletion.
Coding change: c.691_692del on transcript NM_002448.3 (MANE Select); coding-DNA positions 691 to 692, 2 bases deleted (CA; older notation c.691_692delCA).
Protein change: p.Gln231fs; shifts the reading frame from glutamine 231.
Molecular consequence: frameshift variant.
Genome position (GRCh38, 1-based): chr4:4,862,922-4,862,923, CA deleted; deleting any 2 consecutive bases within chr4:4,862,921-4,862,923 gives the same sequence; the c. name uses the placement nearest the transcript's 3' end. VCF-style (leftmost placement, unchanged base first): chr4-4862920-TAC-T. GRCh37 (hg19) VCF-style: chr4-4864647-TAC-T.
Other names: short protein forms Q231fs.
Identifiers: ClinVar variation 3661406 (VCV003661406.2).

ClinVar aggregate classification (germline): Pathogenic (1 of 4 stars; one submission).

Conditions:
Hypoplastic enamel-onycholysis-hypohidrosis syndrome (TNS). Also called: NAIL DYSPLASIA WITH HYPODONTIA; ECTODERMAL DYSPLASIA 3, TOOTH/NAIL TYPE; WITKOP SYNDROME; Tooth-and-Nail Syndrome; ECTODERMAL DYSPLASIA 3, WITKOP TYPE. Identifiers: Orphanet 2228, MedGen C0406735, MONDO:0008582, OMIM 189500.

Submission:

Labcorp Genetics (formerly Invitae), Labcorp
Classification: Pathogenic for Hypoplastic enamel-onycholysis-hypohidrosis syndrome. Last evaluated: 2024-08-04. Review status: criteria provided, single submitter. Criteria: Invitae Variant Classification Sherloc (09022015). Collection method: clinical testing. Allele origin: germline.
Comment: This sequence change results in a frameshift in the MSX1 gene (p.Gln231Argfs*108). While this is not anticipated to result in nonsense mediated decay, it is expected to disrupt the last 73 amino acid(s) of the MSX1 protein and extend the protein by 34 additional amino acid residues. This variant is not present in population databases (gnomAD no frequency). This variant has not been reported in the literature in individuals affected with MSX1-related conditions. This variant results in an extension of the MSX1 protein. Other variant(s) that result in a similarly extended protein product (p.Phe251Thrfs*92) have been determined to be pathogenic (PMID: 25874811). This suggests that these extensions are likely to be disease-causing. For these reasons, this variant has been classified as Pathogenic.

Literature cited by the submitters: PubMed 25874811.